The following is an entry in ClinVar:

ClinVar aggregate classification (germline): Uncertain significance. Review status: criteria provided, multiple submitters, no conflicts (2 of 4 stars). 2 submissions from 2 submitters: Uncertain significance (2). Last evaluated 2021-09-16.

Conditions:
Autosomal recessive limb-girdle muscular dystrophy type 2J (LGMDR10). Also called: MUSCULAR DYSTROPHY, LIMB-GIRDLE, AUTOSOMAL RECESSIVE 10; Limb-girdle muscular dystrophy, type 2J. Identifiers: Orphanet 140922, MedGen C1837342, MONDO:0012127, OMIM 608807.
Tibial muscular dystrophy (TMD). Also called: Tibial muscular dystrophy, tardive; Udd Distal Myopathy – Tibial Muscular Dystrophy; UDD MYOPATHY. Identifiers: Orphanet 609, MedGen C1838244, MONDO:0010870, OMIM 600334.
Myopathy, myofibrillar, 9, with early respiratory failure (MFM9). Also called: Myopathy, distal, with early respiratory failure, autosomal dominant; EDSTROM MYOPATHY; MYOPATHY, PROXIMAL, WITH EARLY RESPIRATORY MUSCLE INVOLVEMENT; Hereditary myopathy with early respiratory failure. Identifiers: Orphanet 178464, Orphanet 34521, MedGen C1863599, MONDO:0011362, OMIM 603689.
Dilated cardiomyopathy 1G (CMD1G). Identifiers: Orphanet 154, MedGen C1858763, MONDO:0011400, OMIM 604145.
Early-onset myopathy with fatal cardiomyopathy (CMYO5). Also called: CONGENITAL MYOPATHY 5 WITH CARDIOMYOPATHY; Salih Myopathy. Identifiers: Orphanet 289377, MedGen C2673677, MONDO:0012714, OMIM 611705. Disease mechanism: loss of function.
Hypertrophic cardiomyopathy 9. Also called: Familial hypertrophic cardiomyopathy 9. Identifiers: MedGen C1861065, MONDO:0013412, OMIM 613765.

Allele frequency attached by ClinVar (database versions not stated): gnomAD exomes below 0.00001 and 0.00001; ExAC 0.00001; gnomAD 0.00001.
gnomAD v4.1: 4 of 1,580,556 alleles (0.00025%); highest among the groups gnomAD compares: Non-Finnish European, 0.00034%; no homozygotes.

Submissions (2):

Department of Pathology and Laboratory Medicine, Sinai Health System
Classification: Uncertain significance for Tibial muscular dystrophy; Myopathy, myofibrillar, 9, with early respiratory failure; Dilated cardiomyopathy 1G; Autosomal recessive limb-girdle muscular dystrophy type 2J; Early-onset myopathy with fatal cardiomyopathy; Hypertrophic cardiomyopathy 9. Last evaluated: 2021-09-16. Review status: criteria provided, single submitter. Criteria: ACMG Guidelines, 2015. Collection method: research. Allele origin: germline.

Laboratory for Molecular Medicine, Mass General Brigham Personalized Medicine
Classification: Uncertain significance. Last evaluated: 2013-06-05. Review status: criteria provided, single submitter. Criteria: LMM Criteria. Collection method: clinical testing. Allele origin: germline. Observed: 1 variant allele.
Comment: The Asp14904Asn variant in TTN has not been reported in individuals with cardiom yopathy. Data from large population studies is insufficient to assess the freque ncy of this variant. Computational analyses (biochemical amino acid properties, conservation, AlignGVGD, PolyPhen2, and SIFT) do not provide strong support for or against an impact to the protein. Additional information is needed to fully a ssess the clinical significance of this variant.

NM_001267550.2(TTN):c.52414G>A (p.Asp17472Asn)

Genes: TTN-AS1 (TTN antisense RNA 1; plus strand), TTN (titin; minus strand). Cytogenetic location: 2q31.2.
Variant type: single nucleotide variant.
Coding change: c.52414G>A on transcript NM_001267550.2 (MANE Select); coding-DNA position 52414, G replaced by A.
Protein change: p.Asp17472Asn; replaces aspartic acid 17472 with asparagine.
Molecular consequence: missense variant.
Genome position (GRCh38, 1-based): chr2:178,608,469, C>T on the plus strand (G>A on the coding strand, the complement: TTN is on the minus strand). VCF-style: chr2-178608469-C-T. GRCh37 (hg19) VCF-style: chr2-179473196-C-T.
Other names: c.47491G>A, p.Asp15831Asn (NM_001256850.1); c.25219G>A, p.Asp8407Asn (NM_003319.4); c.25594G>A, p.Asp8532Asn (NM_133432.3); c.25795G>A, p.Asp8599Asn (NM_133437.4); c.44710G>A, p.Asp14904Asn (NM_133378.4); short protein forms D14904N, D17472N, D8407N, D8532N, D8599N, D15831N.
Identifiers: ClinVar variation 165995 (VCV000165995.6), dbSNP rs727503614, ClinGen allele CA178785.